The following is an entry in ClinVar:

NM_178857.6(RP1L1):c.1041C>T (p.Ser347=)

Gene: RP1L1 (RP1 like 1). Cytogenetic location: 8p23.1.
Variant type: single nucleotide variant.
Coding change: c.1041C>T on transcript NM_178857.6 (MANE Select); coding-DNA position 1041, C replaced by T.
Protein change: p.Ser347=; no amino-acid change (serine 347 retained).
Molecular consequence: synonymous variant.
Genome position (GRCh38, 1-based): chr8:10,613,057, G>A on the plus strand (C>T on the coding strand, the complement: RP1L1 is on the minus strand). VCF-style: chr8-10613057-G-A. GRCh37 (hg19) VCF-style: chr8-10470567-G-A.
Identifiers: ClinVar variation 3388203 (VCV003388203.14).

ClinVar aggregate classification (germline): Likely benign (1 of 4 stars; one submission).

gnomAD v4.1: 35 of 1,613,478 alleles (0.0022%); highest among the groups gnomAD compares: Non-Finnish European, 0.0025%; 1 homozygote.

Submission:

CeGaT Center for Human Genetics Tuebingen
Classification: Likely benign. Last evaluated: 2024-11-01. Review status: criteria provided, single submitter. Criteria: CeGaT Center For Human Genetics Tuebingen Variant Classification Criteria Version 2. Collection method: clinical testing. Allele origin: germline. Affected: yes. Observed: 1 variant allele.
Comment: RP1L1: BP4, BP7